The following is an entry in ClinVar:

NM_005751.5(AKAP9):c.352-1G>A

Gene: AKAP9 (A-kinase anchoring protein 9; plus strand). Cytogenetic location: 7q21.2.
Variant type: single nucleotide variant.
Coding change: c.352-1G>A on transcript NM_005751.5 (MANE Select); the canonical splice acceptor site of the intron before coding-DNA position 352, G replaced by A.
Molecular consequence: splice acceptor variant.
Genome position (GRCh38, 1-based): chr7:91,992,157, G>A. VCF-style: chr7-91992157-G-A. GRCh37 (hg19) VCF-style: chr7-91621471-G-A.
Other names: c.352-1G>A (NM_147185.3).
Identifiers: ClinVar variation 1307402 (VCV001307402.2), dbSNP rs2130633941, ClinGen allele CA368119195.
Genomic context (GRCh38, chr7:91,992,157, plus strand): 5'-TTGTTAGCTAAATAAAATTATGTCTAAGATCATAATATATCAGGAAATTGTTTTTATACA[G>A]GTAAATGGTTGCAGTTTTGTGATGAGAACAGGAAAGCCTACAAATTTATTAAGGGTACAG-3'

ClinVar aggregate classification (germline): Uncertain significance (1 of 4 stars; one submission).

gnomAD v4.1: 1 of 1,606,942 alleles (0.000062%); no homozygotes.

Submission:

GeneDx
Classification: Uncertain significance. Last evaluated: 2019-07-31. Review status: criteria provided, single submitter. Criteria: GeneDx Variant Classification Process June 2021. Collection method: clinical testing. Allele origin: germline. Affected: yes.
Comment: Not observed in large population cohorts (Lek et al., 2016); Canonical splice site variant in a gene for which loss-of-function is not a known mechanism of disease; Has not been previously published as pathogenic or benign to our knowledge